The following is an entry in ClinVar:

ClinVar aggregate classification (germline): Pathogenic (1 of 4 stars; one submission).

Conditions:
Long chain 3-hydroxyacyl-CoA dehydrogenase deficiency. Also called: LCHAD Deficiency; Deficiency of long-chain 3-hydroxyacyl-coenzyme A dehydrogenase. Identifiers: Orphanet 5, MedGen C3711645, MONDO:0012173, OMIM 609016.

gnomAD v4.1: 1 of 1,611,908 alleles (0.000062%); highest among the groups gnomAD compares: Non-Finnish European, 0.000085%; no homozygotes.

Submission:

Women's Health and Genetics/Laboratory Corporation of America, LabCorp
Classification: Pathogenic for Long chain 3-hydroxyacyl-CoA dehydrogenase deficiency. Last evaluated: 2024-10-23. Review status: criteria provided, single submitter. Criteria: LabCorp Variant Classification Summary - May 2015. Collection method: clinical testing. Allele origin: germline.
Comment: Variant summary: HADHA c.278C>G (p.Ser93X) results in a premature termination codon, predicted to cause a truncation of the encoded protein or absence of the protein due to nonsense mediated decay, which are commonly known mechanisms for disease. The variant was absent in 251432 control chromosomes. c.278C>G has been reported in the literature in an individual affected with Long Chain 3-Hydroxyacyl-CoA Dehydrogenase Deficiency (Rucklova_2021). The following publication has been ascertained in the context of this evaluation (PMID: 34578803). No submitters have cited clinical-significance assessments for this variant to ClinVar. Based on the evidence outlined above, the variant was classified as pathogenic.

Literature cited by the submitters: PubMed 34578803.

NM_000182.5(HADHA):c.278C>G (p.Ser93Ter)

Gene: HADHA (hydroxyacyl-CoA dehydrogenase trifunctional multienzyme complex subunit alpha; minus strand). Cytogenetic location: 2p23.3.
Variant type: single nucleotide variant.
Coding change: c.278C>G on transcript NM_000182.5 (MANE Select); coding-DNA position 278, C replaced by G.
Protein change: p.Ser93Ter; replaces serine 93 with a stop codon.
Molecular consequence: nonsense.
Genome position (GRCh38, 1-based): chr2:26,236,891, G>C on the plus strand (C>G on the coding strand, the complement: HADHA is on the minus strand). VCF-style: chr2-26236891-G-C. GRCh37 (hg19) VCF-style: chr2-26459759-G-C.
Other names: short protein forms S93*.
Identifiers: ClinVar variation 3385116 (VCV003385116.1).